The following is an entry in ClinVar:

ClinVar aggregate classification (germline): Likely benign. Review status: criteria provided, multiple submitters, no conflicts (2 of 4 stars). 2 submissions from 2 submitters: Likely benign (2). Last evaluated 2023-12-18.

Conditions:
Cardiomyopathy (CMYO). Also called: Cardiomyopathies. Identifiers: Orphanet 167848, MedGen C0878544, MONDO:0004994, HP:0001638. Inheritance: Various modes of inheritance.
Cardiovascular phenotype. Identifiers: MedGen CN230736.

Submissions (2):

All of Us Research Program, National Institutes of Health
Classification: Likely benign for Cardiomyopathy. Last evaluated: 2023-12-18. Review status: criteria provided, single submitter. Criteria: ACMG Guidelines, 2015. Collection method: clinical testing. Allele origin: germline. Inheritance: Autosomal dominant inheritance. Observed: 1 variant allele, 1 heterozygote.
Comment: This study involves interpretation of variants in research participants for the purpose of population health screening. Participant phenotype was not available at the time of variant classification. Additional details can be found in publication PMID: 35346344, PMCID: PMC8962531

Ambry Genetics
Classification: Likely benign for Cardiovascular phenotype. Last evaluated: 2023-06-17. Review status: criteria provided, single submitter. Criteria: Ambry Variant Classification Scheme 2023. Collection method: clinical testing. Allele origin: germline.

NM_000257.4(MYH7):c.1752C>T (p.Gly584=)

Gene: MYH7 (myosin heavy chain 7; minus strand). Cytogenetic location: 14q11.2.
Variant type: single nucleotide variant.
Coding change: c.1752C>T on transcript NM_000257.4 (MANE Select); coding-DNA position 1752, C replaced by T.
Protein change: p.Gly584=; no amino-acid change (glycine 584 retained).
Molecular consequence: synonymous variant.
Genome position (GRCh38, 1-based): chr14:23,427,721, G>A on the plus strand (C>T on the coding strand, the complement: MYH7 is on the minus strand). VCF-style: chr14-23427721-G-A. GRCh37 (hg19) VCF-style: chr14-23896930-G-A.
Other names: c.1752C>T, p.Gly584= (NM_001407004.1).
Identifiers: ClinVar variation 2625308 (VCV002625308.3), dbSNP rs2502296908, ClinGen allele CA485767299.